The following is an entry in ClinVar:

ClinVar aggregate classification (germline): Uncertain significance. Review status: criteria provided, multiple submitters, no conflicts (2 of 4 stars). 4 submissions from 4 submitters: Uncertain significance (4). Last evaluated 2025-10-10.

Conditions:
RYR1-related disorder. Also called: RYR1-related disorders; RYR1-related condition. Identifiers: MedGen CN239331.
Malignant hyperthermia, susceptibility to, 1 (MHS1). Also called: RYR1-Related Malignant Hyperthermia Susceptibility; Anesthesia related hyperthermia; Malignant hyperpyrexia; Fulminating hyperpyrexia; Pharmacogenic myopathy; Malignant hyperthermia suceptibility 1. Identifiers: Orphanet 423, MedGen C2930980, MONDO:0007783, OMIM 145600.

Allele frequency attached by ClinVar (database versions not stated): TOPMed 0.00002.
gnomAD v4.1: 4 of 1,396,220 alleles (0.00029%); highest among the groups gnomAD compares: Middle Eastern, 0.026%; no homozygotes.

Submissions (4):

Dasa
Classification: Uncertain significance. Last evaluated: 2025-10-10. Review status: criteria provided, single submitter. Criteria: DASA Assertion Criteria. Collection method: clinical testing. Allele origin: germline.
Comment: NM_000540.3(RYR1):c.13342C>G (p.Pro4448Ala) is a missense variant that results in the substitution of proline with alanine. This variant is rare in population databases. The currently available literature and clinical evidence are not sufficient to establish a definitive association between this variant and the reported condition. Therefore, this variant is classified as a variant of uncertain significance.

All of Us Research Program, National Institutes of Health
Classification: Uncertain significance for Malignant hyperthermia, susceptibility to, 1. Last evaluated: 2024-06-09. Review status: criteria provided, single submitter. Criteria: ACMG Guidelines, 2015. Collection method: clinical testing. Allele origin: germline. Inheritance: Autosomal dominant inheritance. Observed: 1 variant allele, 1 heterozygote.
Comment: This missense variant replaces proline with alanine at codon 4448 of the RYR1 protein. Computational prediction suggests that this variant may not impact protein structure and function (internally defined REVEL score threshold <= 0.5, PMID: 27666373). To our knowledge, functional studies have not been reported for this variant. This variant has not been reported in individuals affected with RYR1-related disorders in the literature. This variant has not been identified in the general population by the Genome Aggregation Database (gnomAD). The available evidence is insufficient to determine the role of this variant in disease conclusively. Therefore, this variant is classified as a Variant of Uncertain Significance.

This study involves interpretation of variants in research participants for the purpose of population health screening. Participant phenotype was not available at the time of variant classification. Additional details can be found in publication PMID: 35346344, PMCID: PMC8962531

Blueprint Genetics
Classification: Uncertain significance. Last evaluated: 2022-06-02. Review status: criteria provided, single submitter. Criteria: ACMG Guidelines, 2015. Collection method: clinical testing. Allele origin: germline.

Labcorp Genetics (formerly Invitae), Labcorp
Classification: Uncertain significance for RYR1-related disorder. Last evaluated: 2021-08-31. Review status: criteria provided, single submitter. Criteria: Invitae Variant Classification Sherloc (09022015). Collection method: clinical testing. Allele origin: germline.
Comment: This sequence change replaces proline with alanine at codon 4448 of the RYR1 protein (p.Pro4448Ala). The proline residue is moderately conserved and there is a small physicochemical difference between proline and alanine. The frequency data for this variant in the population databases is considered unreliable, as metrics indicate insufficient coverage at this position in the ExAC database. This variant has not been reported in the literature in individuals affected with RYR1-related conditions. Algorithms developed to predict the effect of missense changes on protein structure and function are either unavailable or do not agree on the potential impact of this missense change (SIFT: "Tolerated"; PolyPhen-2: "Not Available"; Align-GVGD: "Class C0"). In summary, the available evidence is currently insufficient to determine the role of this variant in disease. Therefore, it has been classified as a Variant of Uncertain Significance.

NM_000540.3(RYR1):c.13342C>G (p.Pro4448Ala)

Genes: RYR1 (ryanodine receptor 1; plus strand), LOC130064357 (ATAC-STARR-seq lymphoblastoid silent region 10577; plus strand). Cytogenetic location: 19q13.2.
Variant type: single nucleotide variant.
Coding change: c.13342C>G on transcript NM_000540.3 (MANE Select); coding-DNA position 13342, C replaced by G.
Protein change: p.Pro4448Ala; replaces proline 4448 with alanine.
Molecular consequence: missense variant.
Genome position (GRCh38, 1-based): chr19:38,565,676, C>G. VCF-style: chr19-38565676-C-G. GRCh37 (hg19) VCF-style: chr19-39056316-C-G.
Other names: c.13327C>G, p.Pro4443Ala (NM_001042723.2); short protein forms P4443A, P4448A.
Identifiers: ClinVar variation 1016300 (VCV001016300.10), dbSNP rs886054407, ClinGen allele CA308109694.
Genomic context (GRCh38, chr19:38,565,676, plus strand): 5'-GAGGCCGGGCCGGGCGGTGCCGACGGGGCGGTGGCCGTGACCGATGGGGGCCCCTTCCGG[C>G]CCGAAGGGGCTGGCGGTCTCGGGGACATGGGGGACACGACGCCTGCGGAACCGCCCACAC-3'
Protein context (NP_000531.2, residues 4438-4458): VAVTDGGPFR[Pro4448Ala]EGAGGLGDMG